The following is an entry in ClinVar:

ClinVar aggregate classification (germline): Uncertain significance. Review status: criteria provided, multiple submitters, no conflicts (2 of 4 stars). 3 submissions from 3 submitters: Uncertain significance (3). Last evaluated 2022-11-01.

Conditions:
Hereditary cancer-predisposing syndrome. Also called: Tumor predisposition; Neoplastic Syndromes, Hereditary; Hereditary Cancer Syndrome; Hereditary neoplastic syndrome. Identifiers: Orphanet 140162, MedGen C0027672, MeSH D009386, MONDO:0015356.

Submissions (3):

CeGaT Center for Human Genetics Tuebingen
Classification: Uncertain significance. Last evaluated: 2022-11-01. Review status: criteria provided, single submitter. Criteria: CeGaT Center For Human Genetics Tuebingen Variant Classification Criteria Version 2. Collection method: clinical testing. Allele origin: germline. Affected: yes. Observed: 1 variant allele.
Comment: BRCA2: PM2

Institute for Clinical Genetics, University Hospital TU Dresden, University Hospital TU Dresden
Classification: Uncertain significance. Last evaluated: 2021-11-03. Review status: criteria provided, single submitter. Criteria: ACMG Guidelines, 2015. Collection method: clinical testing. Allele origin: germline.

Ambry Genetics
Classification: Uncertain significance for Hereditary cancer-predisposing syndrome. Last evaluated: 2014-10-30. Review status: criteria provided, single submitter. Criteria: Ambry Variant Classification Scheme 2023. Collection method: clinical testing. Allele origin: germline.
Comment: The c.8181_8189delTGTTAAGGC variant, (also known as p.V2728_A2730del and 8409del9), is located in coding exon 17 of the BRCA2 gene. This variant results from an in-frame deletion of 9 nucleotides between positions 8181 to 8189. This results in the deletion of a valine, lysine, and alanine residue at codons 2728 to 2730. This variant was not reported in population based cohorts in the following databases: Database of Single Nucleotide Polymorphisms (dbSNP), NHLBI Exome Sequencing Project (ESP), and 1000 Genomes Project. In the ESP, this variant was not observed in 6503 samples (13006 alleles) with coverage at this position. To date, this alteration has been detected with an allele frequency of approximately 0.006% (greater than 64,000 alleles tested) in our clinical cohort. These amino acid positions are not well conserved on available sequence alignment. Since supporting evidence for this variant is limited at this time, the clinical significance of this variant remains unclear.

NM_000059.4(BRCA2):c.8181_8189del (p.Val2728_Ala2730del)

Gene: BRCA2 (BRCA2 DNA repair associated; plus strand). Cytogenetic location: 13q13.1.
Variant type: Deletion.
Coding change: c.8181_8189del on transcript NM_000059.4 (MANE Select); coding-DNA positions 8181 to 8189, 9 bases deleted (TGTTAAGGC; older notation c.8181_8189delTGTTAAGGC).
Protein change: p.Val2728_Ala2730del.
Molecular consequence: inframe deletion.
Genome position (GRCh38, 1-based): chr13:32,363,383-32,363,391, TGTTAAGGC deleted; deleting any 9 consecutive bases within chr13:32,363,381-32,363,391 gives the same sequence; the c. name uses the placement nearest the transcript's 3' end. VCF-style (leftmost placement, unchanged base first): chr13-32363380-TGCTGTTAAG-T. GRCh37 (hg19) VCF-style: chr13-32937517-TGCTGTTAAG-T.
Other names: c.8181_8189delTGTTAAGGC (NM_000059.3).
Identifiers: ClinVar variation 187092 (VCV000187092.32), dbSNP rs786203465, ClinGen allele CA025493.